The following is an entry in ClinVar:

ClinVar aggregate classification (germline): Benign/Likely benign. Review status: criteria provided, multiple submitters, no conflicts (2 of 4 stars). 3 submissions from 3 submitters: Benign (1); Likely benign (2). Last evaluated 2026-04-20.

Conditions:
DICER1-related tumor predisposition. Also called: DICER1-related pleuropulmonary blastoma cancer predisposition syndrome; DICER1 syndrome. Identifiers: Orphanet 284343, MedGen C3839822, MONDO:0100216.
Hereditary cancer-predisposing syndrome. Also called: Hereditary Cancer Syndrome; Neoplastic Syndromes, Hereditary; Hereditary neoplastic syndrome; Tumor predisposition. Identifiers: Orphanet 140162, MedGen C0027672, MeSH D009386, MONDO:0015356.

gnomAD v4.1: 4 of 1,614,144 alleles (0.00025%); highest among the groups gnomAD compares: East Asian, 0.0067%; no homozygotes.

Submissions (3):

Myriad Genetics, Inc.
Classification: Benign for DICER1-related tumor predisposition. Last evaluated: 2026-04-20. Review status: criteria provided, single submitter. Criteria: Myriad Autosomal Dominant, Autosomal Recessive and X-Linked Classification Criteria (2023). Collection method: clinical testing. Allele origin: unknown.
Comment: This variant is considered benign. This variant is a silent/synonymous amino acid change and it is not expected to impact splicing.

Labcorp Genetics (formerly Invitae), Labcorp
Classification: Likely benign for DICER1-related tumor predisposition. Last evaluated: 2025-02-12. Review status: criteria provided, single submitter. Criteria: Invitae Variant Classification Sherloc (09022015). Collection method: clinical testing. Allele origin: germline.

Ambry Genetics
Classification: Likely benign for Hereditary cancer-predisposing syndrome. Last evaluated: 2023-09-07. Review status: criteria provided, single submitter. Criteria: Ambry Variant Classification Scheme 2023. Collection method: clinical testing. Allele origin: germline.

NM_177438.3(DICER1):c.4773C>G (p.Leu1591=)

Gene: DICER1 (dicer 1, ribonuclease III; minus strand). Cytogenetic location: 14q32.13.
Variant type: single nucleotide variant.
Coding change: c.4773C>G on transcript NM_177438.3 (MANE Select); coding-DNA position 4773, C replaced by G.
Protein change: p.Leu1591=; no amino-acid change (leucine 1591 retained).
Molecular consequence: synonymous variant.
Genome position (GRCh38, 1-based): chr14:95,096,147, G>C on the plus strand (C>G on the coding strand, the complement: DICER1 is on the minus strand). VCF-style: chr14-95096147-G-C. GRCh37 (hg19) VCF-style: chr14-95562484-G-C.
Other names: c.4773C>G, p.Leu1591= (NM_001195573.1, NM_001271282.3, NM_001291628.2 and 1 more transcripts).
Identifiers: ClinVar variation 417082 (VCV000417082.17), dbSNP rs138308365, ClinGen allele CA7330801.